The following is an entry in ClinVar:

NM_001277115.2(DNAH11):c.13171C>T (p.Gln4391Ter)

Gene: DNAH11 (dynein axonemal heavy chain 11; plus strand). Cytogenetic location: 7p15.3.
Variant type: single nucleotide variant.
Coding change: c.13171C>T on transcript NM_001277115.2 (MANE Select); coding-DNA position 13171, C replaced by T.
Protein change: p.Gln4391Ter; replaces glutamine 4391 with a stop codon.
Molecular consequence: nonsense.
Genome position (GRCh38, 1-based): chr7:21,899,988, C>T. VCF-style: chr7-21899988-C-T. GRCh37 (hg19) VCF-style: chr7-21939606-C-T.
Other names: short protein forms Q4391*.
Identifiers: ClinVar variation 652933 (VCV000652933.7), dbSNP rs761855200, ClinGen allele CA4183356.

ClinVar aggregate classification (germline): Pathogenic (1 of 4 stars; one submission).

Conditions:
Primary ciliary dyskinesia. Also called: Ciliary dyskinesia. Identifiers: Orphanet 244, MedGen C0008780, MONDO:0016575, HP:0012265.

Allele frequency attached by ClinVar (database versions not stated): ExAC 0.00001; gnomAD 0.00001; gnomAD exomes 0.00001; TOPMed 0.00002.
gnomAD v4.1: 17 of 1,613,620 alleles (0.0011%); highest among the groups gnomAD compares: Admixed American, 0.0033%; no homozygotes.

Submission:

Labcorp Genetics (formerly Invitae), Labcorp
Classification: Pathogenic for Primary ciliary dyskinesia. Last evaluated: 2024-02-07. Review status: criteria provided, single submitter. Criteria: Invitae Variant Classification Sherloc (09022015). Collection method: clinical testing. Allele origin: germline.
Comment: This sequence change creates a premature translational stop signal (p.Gln4391*) in the DNAH11 gene. It is expected to result in an absent or disrupted protein product. Loss-of-function variants in DNAH11 are known to be pathogenic (PMID: 18022865, 20513915, 22184204). This variant is present in population databases (rs761855200, gnomAD 0.003%). This variant has not been reported in the literature in individuals affected with DNAH11-related conditions. ClinVar contains an entry for this variant (Variation ID: 652933). For these reasons, this variant has been classified as Pathogenic.

Literature cited by the submitters: PubMed 18022865; PubMed 20513915; PubMed 22184204.